The following is an entry in ClinVar:

ClinVar aggregate classification (germline): Benign. Review status: criteria provided, multiple submitters, no conflicts (2 of 4 stars). 2 submissions from 2 submitters: Benign (2). Last evaluated 2018-06-18.

Allele frequency attached by ClinVar (database versions not stated): gnomAD 0.01725 and 0.01849; 1000 Genomes Project 30x 0.01811; 1000 Genomes Project 0.01837; TOPMed 0.01989.
gnomAD v4.1: 3,501 of 443,638 alleles (0.79%); highest among the groups gnomAD compares: African/African-American, 5.7%; 87 homozygotes.

Submissions (2):

GeneDx
Classification: Benign. Last evaluated: 2018-06-18. Review status: criteria provided, single submitter. Criteria: GeneDx Variant Classification (06012015). Collection method: clinical testing. Allele origin: germline. Affected: yes.
Comment: This variant is considered likely benign or benign based on one or more of the following criteria: it is a conservative change, it occurs at a poorly conserved position in the protein, it is predicted to be benign by multiple in silico algorithms, and/or has population frequency not consistent with disease.

Breakthrough Genomics
Classification: Benign. Review status: criteria provided, single submitter. Criteria: ACMG Guidelines, 2015. Collection method: not provided. Allele origin: germline. Inheritance: Autosomal recessive inheritance. Affected: yes.

NM_006231.4(POLE):c.3060+189C>T

Gene: POLE (DNA polymerase epsilon, catalytic subunit; minus strand). Cytogenetic location: 12q24.33.
Variant type: single nucleotide variant.
Coding change: c.3060+189C>T on transcript NM_006231.4 (MANE Select); 189 bases into the intron after coding-DNA position 3060, C replaced by T.
Molecular consequence: intron variant.
Genome position (GRCh38, 1-based): chr12:132,660,780, G>A on the plus strand (C>T on the coding strand, the complement: POLE is on the minus strand). VCF-style: chr12-132660780-G-A. GRCh37 (hg19) VCF-style: chr12-133237366-G-A.
Identifiers: ClinVar variation 679780 (VCV000679780.2), dbSNP rs5744848, ClinGen allele CA246316871.
Genomic context (GRCh38, chr12:132,660,780, plus strand): 5'-GCACGCATCACCATGCCAGGCTTATCACGCTATTTAGAAAAACGTTTCCCTCAGAGTTGT[G>A]TCCCTGGATGCAGAAGTTGAGGGGAACTCCAAGGGGGTAATTGTGCTCAGGAGGTCTTGG-3'